The following is an entry in ClinVar:

ClinVar aggregate classification (germline): Uncertain significance (1 of 4 stars; one submission).

Conditions:
Bethlem myopathy 1B (BTHLM1B). Identifiers: MedGen C5935580, MONDO:0958233, OMIM 620725.
Ullrich congenital muscular dystrophy 1B (UCMD1B). Identifiers: MedGen C5935582, MONDO:0958235, OMIM 620727.
Myosclerosis. Also called: Myosclerosis, congenital; MYOPATHY, MYOSCLEROTIC; MYOSCLEROSIS, CONGENITAL, OF LOWENTHAL. Identifiers: Orphanet 289380, MedGen C1850671, MONDO:0009714, OMIM 255600.

Submission:

Juno Genomics, Hangzhou Juno Genomics, Inc
Classification: Uncertain significance for Bethlem myopathy 1B; Ullrich congenital muscular dystrophy 1B; Myosclerosis. Review status: criteria provided, single submitter. Criteria: ACMG Guidelines, 2015. Collection method: clinical testing. Allele origin: germline.
Comment: Absent from controls (or at extremely low frequency if recessive) in Genome Aggregation Database.;Multiple lines of computational evidence support a deleterious effect on the gene or gene product.

NM_001849.4(COL6A2):c.1904A>G (p.Lys635Arg)

Gene: COL6A2 (collagen type VI alpha 2 chain; plus strand). Cytogenetic location: 21q22.3.
Variant type: single nucleotide variant.
Coding change: c.1904A>G on transcript NM_001849.4 (MANE Select); coding-DNA position 1904, A replaced by G.
Protein change: p.Lys635Arg; replaces lysine 635 with arginine.
Molecular consequence: missense variant.
Genome position (GRCh38, 1-based): chr21:46,125,552, A>G. VCF-style: chr21-46125552-A-G. GRCh37 (hg19) VCF-style: chr21-47545466-A-G.
Other names: c.1904A>G, p.Lys635Arg (NM_058174.3, NM_058175.3); short protein forms K635R.
Identifiers: ClinVar variation 5006430 (VCV005006430.2).